The following is an entry in ClinVar:

ClinVar aggregate classification (germline): Uncertain significance (1 of 4 stars; one submission).

Conditions:
Nicolaides-Baraitser syndrome (NCBRS). Also called: SMARCA2-Related Nicolaides-Baraitser Syndrome; Intellectual disability-sparse hair-brachydactyly syndrome. Identifiers: Orphanet 3051, MedGen C1303073, MONDO:0011053, OMIM 601358.

Submission:

MVZ Medizinische Genetik Mainz
Classification: Uncertain significance for Nicolaides-Baraitser syndrome. Last evaluated: 2022-08-17. Review status: criteria provided, single submitter. Criteria: UK Practice Guidelines For Variant Classification V4 01 2020. Collection method: clinical testing. Allele origin: germline. Inheritance: Autosomal dominant inheritance. Affected: yes. Observed: 1 variant allele.
Comment: ACMG Criteria: PM2_SUP,PP2,PP3

NM_003070.5(SMARCA2):c.3829G>A (p.Glu1277Lys)

Gene: SMARCA2 (SWI/SNF related BAF chromatin remodeling complex subunit ATPase 2; plus strand). Cytogenetic location: 9p24.3.
Variant type: single nucleotide variant.
Coding change: c.3829G>A on transcript NM_003070.5 (MANE Select); coding-DNA position 3829, G replaced by A.
Protein change: p.Glu1277Lys; replaces glutamic acid 1277 with lysine.
Molecular consequence: missense variant.
Genome position (GRCh38, 1-based): chr9:2,123,785, G>A. VCF-style: chr9-2123785-G-A. GRCh37 (hg19) VCF-style: chr9-2123785-G-A.
Other names: c.3829G>A, p.Glu1277Lys (NM_001289396.2, NM_139045.4); c.3655G>A, p.Glu1219Lys (NM_001289397.2); short protein forms E1219K, E1277K.
Identifiers: ClinVar variation 3235978 (VCV003235978.1), dbSNP rs2537420081, ClinGen allele CA372790346.